The following is an entry in ClinVar:

ClinVar aggregate classification (germline): Benign. Review status: criteria provided, single submitter (1 of 4 stars). 2 submissions from 2 submitters: Benign (1). 1 of the submissions does not count toward it. Last evaluated 2026-01-26.

Conditions:
LIPH-related disorder. Also called: LIPH-related condition.

Allele frequency attached by ClinVar (database versions not stated): ExAC 0.02700; ESP Exome Variant Server 0.03183; 1000 Genomes Project 0.01338; TOPMed 0.02681; 1000 Genomes Project 30x 0.01405; gnomAD 0.02647; gnomAD exomes 0.03340.
gnomAD v4.1: 53,096 of 1,613,576 alleles (3.3%); highest among the groups gnomAD compares: Middle Eastern, 4.9%; 1,125 homozygotes.

Submissions (2):

Labcorp Genetics (formerly Invitae), Labcorp
Classification: Benign. Last evaluated: 2026-01-26. Review status: criteria provided, single submitter. Criteria: Invitae Variant Classification Sherloc (09022015). Collection method: clinical testing. Allele origin: germline.

PreventionGenetics, part of Exact Sciences
Classification: Benign for LIPH-related condition. Last evaluated: 2019-07-08. Review status: no assertion criteria provided. Collection method: clinical testing. Allele origin: germline. Not counted in ClinVar's aggregate classification.
Comment: This variant is classified as benign based on ACMG/AMP sequence variant interpretation guidelines (Richards et al. 2015 PMID: 25741868, with internal and published modifications).

NM_139248.3(LIPH):c.852C>T (p.Cys284=)

Gene: LIPH (lipase H; minus strand). Cytogenetic location: 3q27.2.
Variant type: single nucleotide variant.
Coding change: c.852C>T on transcript NM_139248.3 (MANE Select); coding-DNA position 852, C replaced by T.
Protein change: p.Cys284=; no amino-acid change (cysteine 284 retained).
Molecular consequence: synonymous variant.
Genome position (GRCh38, 1-based): chr3:185,519,176, G>A on the plus strand (C>T on the coding strand, the complement: LIPH is on the minus strand). VCF-style: chr3-185519176-G-A. GRCh37 (hg19) VCF-style: chr3-185236964-G-A.
Other names: c.852C>T (NM_139248.2).
Identifiers: ClinVar variation 2015883 (VCV002015883.6), dbSNP rs144288709, ClinGen allele CA2740485.